The following is an entry in ClinVar:

ClinVar aggregate classification (germline): Uncertain significance (1 of 4 stars; one submission).

Conditions:
Peroxisome biogenesis disorder 11A (Zellweger). Also called: Peroxisome biogenesis disorder 11A. Identifiers: Orphanet 912, MedGen C3554000, MONDO:0013949, OMIM 614883.

Allele frequency attached by ClinVar (database versions not stated): gnomAD exomes below 0.00001; gnomAD 0.00001; TOPMed 0.00001.
gnomAD v4.1: 2 of 1,613,746 alleles (0.00012%); highest among the groups gnomAD compares: African/African-American, 0.0027%; no homozygotes.

Submission:

Labcorp Genetics (formerly Invitae), Labcorp
Classification: Uncertain significance for Peroxisome biogenesis disorder 11A (Zellweger). Last evaluated: 2022-03-29. Review status: criteria provided, single submitter. Criteria: Invitae Variant Classification Sherloc (09022015). Collection method: clinical testing. Allele origin: germline.
Comment: In summary, the available evidence is currently insufficient to determine the role of this variant in disease. Therefore, it has been classified as a Variant of Uncertain Significance. Algorithms developed to predict the effect of sequence changes on RNA splicing suggest that this variant may create or strengthen a splice site. Algorithms developed to predict the effect of missense changes on protein structure and function (SIFT, PolyPhen-2, Align-GVGD) all suggest that this variant is likely to be tolerated. ClinVar contains an entry for this variant (Variation ID: 1008985). This variant has not been reported in the literature in individuals affected with PEX13-related conditions. This variant is not present in population databases (gnomAD no frequency). This sequence change replaces glycine, which is neutral and non-polar, with arginine, which is basic and polar, at codon 395 of the PEX13 protein (p.Gly395Arg).

NM_002618.4(PEX13):c.1183G>A (p.Gly395Arg)

Gene: PEX13 (peroxisomal biogenesis factor 13; plus strand). Cytogenetic location: 2p15.
Variant type: single nucleotide variant.
Coding change: c.1183G>A on transcript NM_002618.4 (MANE Select); coding-DNA position 1183, G replaced by A.
Protein change: p.Gly395Arg; replaces glycine 395 with arginine.
Molecular consequence: missense variant.
Genome position (GRCh38, 1-based): chr2:61,048,741, G>A. VCF-style: chr2-61048741-G-A. GRCh37 (hg19) VCF-style: chr2-61275876-G-A.
Other names: short protein forms G395R.
Identifiers: ClinVar variation 1008985 (VCV001008985.8), dbSNP rs1337201612, ClinGen allele CA346950331.